The following is an entry in ClinVar:

ClinVar aggregate classification (germline): Uncertain significance (1 of 4 stars; one submission).

Submission:

Ambry Genetics
Classification: Uncertain significance. Last evaluated: 2022-07-19. Review status: criteria provided, single submitter. Criteria: Ambry Variant Classification Scheme 2023. Collection method: clinical testing. Allele origin: germline.
Comment: The p.G2021S variant (also known as c.6061G>A), located in coding exon 46 of the PRKDC gene, results from a G to A substitution at nucleotide position 6061. The glycine at codon 2021 is replaced by serine, an amino acid with similar properties. This amino acid position is conserved. In addition, this alteration is predicted to be tolerated by in silico analysis. Since supporting evidence is limited at this time, the clinical significance of this alteration remains unclear.

NM_006904.7(PRKDC):c.6061G>A (p.Gly2021Ser)

Gene: PRKDC (protein kinase, DNA-activated, catalytic subunit; minus strand). Cytogenetic location: 8q11.21.
Variant type: single nucleotide variant.
Coding change: c.6061G>A on transcript NM_006904.7 (MANE Select); coding-DNA position 6061, G replaced by A.
Protein change: p.Gly2021Ser; replaces glycine 2021 with serine.
Molecular consequence: missense variant.
Genome position (GRCh38, 1-based): chr8:47,859,757, C>T on the plus strand (G>A on the coding strand, the complement: PRKDC is on the minus strand). VCF-style: chr8-47859757-C-T. GRCh37 (hg19) VCF-style: chr8-48772318-C-T.
Other names: c.6061G>A, p.Gly2021Ser (NM_001081640.2); short protein forms G2021S.
Identifiers: ClinVar variation 1751339 (VCV001751339.2), dbSNP rs541975682, ClinGen allele CA371161432.